The following is an entry in ClinVar:

NM_000038.6(APC):c.7285T>G (p.Ser2429Ala)

Gene: APC (APC regulator of Wnt signaling pathway; plus strand). Cytogenetic location: 5q22.2.
Variant type: single nucleotide variant.
Coding change: c.7285T>G on transcript NM_000038.6 (MANE Select); coding-DNA position 7285, T replaced by G.
Protein change: p.Ser2429Ala; replaces serine 2429 with alanine.
Molecular consequence: missense variant. On other transcripts: non-coding transcript variant (2).
Genome position (GRCh38, 1-based): chr5:112,842,879, T>G. VCF-style: chr5-112842879-T-G. GRCh37 (hg19) VCF-style: chr5-112178576-T-G.
Other names: c.7285T>G, p.Ser2429Ala (NM_001127510.3, NM_001354895.2, NM_001407450.1); c.7231T>G, p.Ser2411Ala (NM_001127511.3); c.7339T>G, p.Ser2447Ala (NM_001354896.2, NM_001407447.1, NM_001407448.1 and 1 more transcripts); c.7315T>G, p.Ser2439Ala (NM_001354897.2); c.7210T>G, p.Ser2404Ala (NM_001354898.2); c.7201T>G, p.Ser2401Ala (NM_001354899.2); c.7162T>G, p.Ser2388Ala (NM_001354900.2); c.7108T>G, p.Ser2370Ala (NM_001354901.2, NM_001407453.1); and 11 more; short protein forms S2045A, S2146A, S2269A, S2404A, S2419A, S2422A, S2328A, S2370A.
Identifiers: ClinVar variation 3929035 (VCV003929035.1).

ClinVar aggregate classification (germline): Uncertain significance (1 of 4 stars; one submission).

Conditions:
Hereditary cancer-predisposing syndrome. Also called: Hereditary Cancer Syndrome; Hereditary neoplastic syndrome; Neoplastic Syndromes, Hereditary; Tumor predisposition. Identifiers: Orphanet 140162, MedGen C0027672, MeSH D009386, MONDO:0015356.

Submission:

Ambry Genetics
Classification: Uncertain significance for Hereditary cancer-predisposing syndrome. Last evaluated: 2025-04-28. Review status: criteria provided, single submitter. Criteria: Ambry Variant Classification Scheme 2023. Collection method: clinical testing. Allele origin: germline.
Comment: The p.S2429A variant (also known as c.7285T>G), located in coding exon 15 of the APC gene, results from a T to G substitution at nucleotide position 7285. The serine at codon 2429 is replaced by alanine, an amino acid with similar properties. This amino acid position is conserved. In addition, in silico predictors for this gene do not accurately predict pathogenicity. Based on the available evidence, the clinical significance of this variant remains unclear.